The following is an entry in ClinVar:

ClinVar aggregate classification (germline): Pathogenic/Likely pathogenic. Review status: criteria provided, multiple submitters, no conflicts (2 of 4 stars). 5 submissions from 5 submitters: Pathogenic (1); Likely pathogenic (4). Last evaluated 2025-10-28.

Conditions:
Lynch syndrome 4 (LYNCH4). Also called: Colorectal cancer, hereditary nonpolyposis, type 4; Hereditary non-polyposis colorectal cancer, type 4. Identifiers: Orphanet 144, MedGen C1838333, MONDO:0013699, OMIM 614337. Disease mechanism: loss of function.
Hereditary nonpolyposis colon cancer (HNPCC). Also called: Hereditary nonpolyposis colorectal cancer; Familial nonpolyposis colon cancer; Hereditary Nonpolyposis Colorectal Cancer Syndrome. Identifiers: Orphanet 443909, MedGen C1333990, MONDO:0018630. Disease mechanism: loss of function.
Hereditary nonpolyposis colorectal neoplasms. Identifiers: MedGen C0009405, MeSH D003123.
Hereditary cancer-predisposing syndrome. Also called: Tumor predisposition; Hereditary Cancer Syndrome; Hereditary neoplastic syndrome; Neoplastic Syndromes, Hereditary. Identifiers: Orphanet 140162, MedGen C0027672, MeSH D009386, MONDO:0015356.

gnomAD v4.1: 1 of 1,570,094 alleles (0.000064%); highest among the groups gnomAD compares: Non-Finnish European, 0.000088%; no homozygotes.

Submissions (5):

Ambry Genetics
Classification: Likely pathogenic for Hereditary cancer-predisposing syndrome. Last evaluated: 2025-10-28. Review status: criteria provided, single submitter. Criteria: Ambry Variant Classification Scheme 2023. Collection method: clinical testing. Allele origin: germline.
Comment: The c.804-10T>G intronic variant results from a T to G substitution 10 nucleotides upstream from coding exon 8 in the PMS2 gene. This variant has been identified in multiple unrelated individuals whose Lynch syndrome-associated tumors demonstrated isolated loss of PMS2 staining on immunohistochemistry (Ambry internal data; Senter L et al. Gastroenterology, 2008 Aug;135:419-28). This variant is considered to be rare based on population cohorts in the Genome Aggregation Database (gnomAD). This nucleotide position is poorly conserved in available vertebrate species. In silico splice site analysis predicts that this alteration will weaken the native splice acceptor site and will result in the creation or strengthening of a novel splice acceptor site. RNA studies have demonstrated that this alteration results in abnormal splicing in the set of samples tested (Ambry internal data). Based on the majority of available evidence to date, this variant is likely to be pathogenic.

Labcorp Genetics (formerly Invitae), Labcorp
Classification: Pathogenic for Hereditary nonpolyposis colorectal neoplasms. Last evaluated: 2025-08-07. Review status: criteria provided, single submitter. Criteria: Invitae Variant Classification Sherloc (09022015). Collection method: clinical testing. Allele origin: germline.
Comment: This sequence change falls in intron 7 of the PMS2 gene. It does not directly change the encoded amino acid sequence of the PMS2 protein. RNA analysis indicates that this variant induces altered splicing and may result in an absent or altered protein product. This variant is not present in population databases (gnomAD no frequency). This variant has been observed in individuals with clinical features of Lynch syndrome (PMID: 18602922; internal data). Invitae Evidence Modeling of clinical and family history, age, sex, and reported ancestry of multiple individuals with this PMS2 variant has been performed. This variant is expected to be pathogenic with a positive predictive value of at least 99%. This is a validated machine learning model that incorporates the clinical features of 1,627,235 individuals referred to our laboratory for PMS2 testing. ClinVar contains an entry for this variant (Variation ID: 91370). Studies have shown that this variant results in activation of a cryptic splice site, and produces a non-functional protein and/or introduces a premature termination codon (internal data). For these reasons, this variant has been classified as Pathogenic.

Women's Health and Genetics/Laboratory Corporation of America, LabCorp
Classification: Likely pathogenic for Hereditary nonpolyposis colon cancer. Last evaluated: 2024-12-23. Review status: criteria provided, single submitter. Criteria: LabCorp Variant Classification Summary - May 2015. Collection method: clinical testing. Allele origin: germline.
Comment: Variant summary: PMS2 c.804-10T>G alters a non-conserved nucleotide located at a position not widely known to affect splicing. Several computational tools predict a significant impact on normal splicing: One predict the variant abolishes a 3' acceptor site. Two predict the variant creates a cryptic 3' acceptor site. Consistent with this, experimental evidence show that this variant results in activation of a cryptic splice site resulting in a premature stop codon (Internal data). The variant was absent in 251294 control chromosomes (gnomAD). c.804-10T>G has been reported in the literature in individuals affected with PMS2 - related cancers (Internal data, Senter_2008). The following publication has been ascertained in the context of this evaluation (PMID: 18602922). ClinVar contains an entry for this variant (Variation ID: 91370). Based on the evidence outlined above, the variant was classified as likely pathogenic.

Myriad Genetics, Inc.
Classification: Likely pathogenic for Lynch syndrome 4. Last evaluated: 2023-09-19. Review status: criteria provided, single submitter. Criteria: Myriad Autosomal Dominant, Autosomal Recessive and X-Linked Classification Criteria (2023). Collection method: clinical testing. Allele origin: unknown.
Comment: This variant is considered likely pathogenic. mRNA analysis has demonstrated abnormal mRNA splicing occurs [Myriad internal data].

Quest Diagnostics Nichols Institute San Juan Capistrano
Classification: Likely pathogenic. Last evaluated: 2023-03-10. Review status: criteria provided, single submitter. Criteria: Quest Diagnostics criteria. Collection method: clinical testing. Allele origin: unknown.
Comment: The variant has not been reported in large, multi-ethnic general populations. In the published literature, the variant has been reported in individuals with Lynch syndrome associated tumors (PMID: 18602922 (2008)). RNA studies have shown that this variant causes abnormal splicing. Analysis of this variant using software algorithms for the prediction of the effect of nucleotide changes on PMS2 mRNA splicing yielded inconclusive findings . Based on the available information, this variant is classified as likely pathogenic.

Literature cited by the submitters: PubMed 18602922 (cited by 4 submitters).

NM_000535.7(PMS2):c.804-10T>G

Gene: PMS2 (PMS1 homolog 2, mismatch repair system component; minus strand). Cytogenetic location: 7p22.1.
Variant type: single nucleotide variant.
Coding change: c.804-10T>G on transcript NM_000535.7 (MANE Select); 10 bases into the intron before coding-DNA position 804, T replaced by G.
Molecular consequence: intron variant.
Genome position (GRCh38, 1-based): chr7:5,995,643, A>C on the plus strand (T>G on the coding strand, the complement: PMS2 is on the minus strand). VCF-style: chr7-5995643-A-C. GRCh37 (hg19) VCF-style: chr7-6035274-A-C.
Other names: c.486-10T>G (NM_001322008.2, NM_001322007.2); c.399-10T>G (NM_001322010.2, NM_001322004.2, NM_001322003.2 and 2 more transcripts); c.231-10T>G (NM_001322013.2); c.-130-10T>G (NM_001322012.2, NM_001322011.2); c.495-10T>G (NM_001322015.2); c.804-10T>G (NM_001322006.2, NM_001322014.2).
Identifiers: ClinVar variation 91370 (VCV000091370.19), dbSNP rs267608151, ClinGen allele CA012877.